The following is an entry in ClinVar:

NM_000393.5(COL5A2):c.2410G>T (p.Gly804Cys)

Gene: COL5A2 (collagen type V alpha 2 chain; minus strand). Cytogenetic location: 2q32.2.
Variant type: single nucleotide variant.
Coding change: c.2410G>T on transcript NM_000393.5 (MANE Select); coding-DNA position 2410, G replaced by T.
Protein change: p.Gly804Cys; replaces glycine 804 with cysteine.
Molecular consequence: missense variant.
Genome position (GRCh38, 1-based): chr2:189,054,194, C>A on the plus strand (G>T on the coding strand, the complement: COL5A2 is on the minus strand). VCF-style: chr2-189054194-C-A. GRCh37 (hg19) VCF-style: chr2-189918920-C-A.
Other names: short protein forms G804C.
Identifiers: ClinVar variation 3655517 (VCV003655517.2).

ClinVar aggregate classification (germline): Uncertain significance (1 of 4 stars; one submission).

Conditions:
Ehlers-Danlos syndrome, classic type, 1 (EDSCL1). Also called: EHLERS-DANLOS SYNDROME, GRAVIS TYPE; EHLERS-DANLOS SYNDROME, SEVERE CLASSIC TYPE; Ehlers-Danlos syndrome, type 1; Ehlers-Danlos Syndrome, Classic Type, COL5A1-Related; EDS I. Identifiers: MedGen C0268335, MONDO:0019567, OMIM 130000.

Submission:

Labcorp Genetics (formerly Invitae), Labcorp
Classification: Uncertain significance for Ehlers-Danlos syndrome, classic type, 1. Last evaluated: 2024-06-04. Review status: criteria provided, single submitter. Criteria: Invitae Variant Classification Sherloc (09022015). Collection method: clinical testing. Allele origin: germline.
Comment: This sequence change replaces glycine, which is neutral and non-polar, with cysteine, which is neutral and slightly polar, at codon 804 of the COL5A2 protein (p.Gly804Cys). This variant is not present in population databases (gnomAD no frequency). This variant has not been reported in the literature in individuals affected with COL5A2-related conditions. Advanced modeling of protein sequence and biophysical properties (such as structural, functional, and spatial information, amino acid conservation, physicochemical variation, residue mobility, and thermodynamic stability) performed at Invitae indicates that this missense variant is expected to disrupt COL5A2 protein function with a positive predictive value of 80%. In summary, the available evidence is currently insufficient to determine the role of this variant in disease. Therefore, it has been classified as a Variant of Uncertain Significance.